The following is an entry in ClinVar:

NM_001261826.3(AP3D1):c.2431G>C (p.Ala811Pro)

Gene: AP3D1 (adaptor related protein complex 3 subunit delta 1; minus strand). Cytogenetic location: 19p13.3.
Variant type: single nucleotide variant.
Coding change: c.2431G>C on transcript NM_001261826.3 (MANE Select); coding-DNA position 2431, G replaced by C.
Protein change: p.Ala811Pro; replaces alanine 811 with proline.
Molecular consequence: missense variant.
Genome position (GRCh38, 1-based): chr19:2,114,295, C>G on the plus strand (G>C on the coding strand, the complement: AP3D1 is on the minus strand). VCF-style: chr19-2114295-C-G. GRCh37 (hg19) VCF-style: chr19-2114294-C-G.
Other names: c.2431G>C, p.Ala811Pro (NM_001374799.1, NM_003938.8); short protein forms A811P.
Identifiers: ClinVar variation 1484325 (VCV001484325.7), dbSNP rs373947012, ClinGen allele CA9058854.

ClinVar aggregate classification (germline): Uncertain significance (1 of 4 stars; one submission).

Allele frequency attached by ClinVar (database versions not stated): gnomAD 0.00004; gnomAD exomes 0.00004 and 0.00007; ExAC 0.00006; TOPMed 0.00006; ESP Exome Variant Server 0.00008.
gnomAD v4.1: 73 of 1,611,110 alleles (0.0045%); highest among the groups gnomAD compares: Non-Finnish European, 0.00093%; no homozygotes.

Submission:

Labcorp Genetics (formerly Invitae), Labcorp
Classification: Uncertain significance. Last evaluated: 2025-10-11. Review status: criteria provided, single submitter. Criteria: Invitae Variant Classification Sherloc (09022015). Collection method: clinical testing. Allele origin: germline.
Comment: This sequence change replaces alanine, which is neutral and non-polar, with proline, which is neutral and non-polar, at codon 811 of the AP3D1 protein (p.Ala811Pro). This variant is present in population databases (rs373947012, gnomAD 0.2%). This variant has not been reported in the literature in individuals affected with AP3D1-related conditions. ClinVar contains an entry for this variant (Variation ID: 1484325). An algorithm developed to predict the effect of missense changes on protein structure and function (PolyPhen-2) suggests that this variant is likely to be disruptive. In summary, the available evidence is currently insufficient to determine the role of this variant in disease. Therefore, it has been classified as a Variant of Uncertain Significance.